The following is an entry in ClinVar:

ClinVar aggregate classification (germline): Pathogenic (1 of 4 stars; one submission).

Conditions:
Hereditary cancer-predisposing syndrome. Also called: Hereditary Cancer Syndrome; Neoplastic Syndromes, Hereditary; Hereditary neoplastic syndrome; Tumor predisposition. Identifiers: Orphanet 140162, MedGen C0027672, MeSH D009386, MONDO:0015356.

Submission:

Ambry Genetics
Classification: Pathogenic for Hereditary cancer-predisposing syndrome. Last evaluated: 2014-09-02. Review status: criteria provided, single submitter. Criteria: Ambry Autosomal Dominant and X-Linked criteria (10/2015). Collection method: clinical testing. Allele origin: germline. Observed: 1 variant allele.
Comment: The c.6569_6570delGC pathogenic mutation, located in coding exon 43 of the NF1 gene, results from a deletion of two nucleotides between nucleotide positions 6569 and 6570, causing a translational frameshift with a predicted alternate stop codon. This variant was not reported in population based cohorts in the following databases: Database of Single Nucleotide Polymorphisms (dbSNP) and 1000 Genomes Project. In the ESP, this variant was not observed in 6503 samples (13006 alleles) with coverage at this position.<span style="background-color: initial;">Since frameshifts are typically deleterious in nature, this alteration is interpreted as a disease-causing mutation (ACMG Recommendations for Standards for Interpretation and Reporting of Sequence Variations. Revision 2007. Genet Med. 2008;10:294).

NM_001042492.3(NF1):c.6569_6570del (p.Gly2190fs)

Gene: NF1 (neurofibromin 1; plus strand). Cytogenetic location: 17q11.2.
Variant type: Deletion.
Coding change: c.6569_6570del on transcript NM_001042492.3 (MANE Select); coding-DNA positions 6569 to 6570, 2 bases deleted (GC; older notation c.6569_6570delGC).
Protein change: p.Gly2190fs; shifts the reading frame from glycine 2190.
Molecular consequence: frameshift variant.
Genome position (GRCh38, 1-based): chr17:31,337,509-31,337,510, GC deleted. VCF-style (leftmost placement, unchanged base first): chr17-31337508-GGC-G. GRCh37 (hg19) VCF-style: chr17-29664526-GGC-G.
Other names: c.6506_6507delGC, p.Gly2169Valfs (NM_000267.4); short protein forms G2169fs, G2190fs.
Identifiers: ClinVar variation 428952 (VCV000428952.3), dbSNP rs1131691076, ClinGen allele CA645369726.